The following is an entry in ClinVar:

NM_182961.4(SYNE1):c.1034A>C (p.Gln345Pro)

Gene: SYNE1 (spectrin repeat containing nuclear envelope protein 1; minus strand). Cytogenetic location: 6q25.2.
Variant type: single nucleotide variant.
Coding change: c.1034A>C on transcript NM_182961.4 (MANE Select); coding-DNA position 1034, A replaced by C.
Protein change: p.Gln345Pro; replaces glutamine 345 with proline.
Molecular consequence: missense variant.
Genome position (GRCh38, 1-based): chr6:152,488,409, T>G on the plus strand (A>C on the coding strand, the complement: SYNE1 is on the minus strand). VCF-style: chr6-152488409-T-G. GRCh37 (hg19) VCF-style: chr6-152809544-T-G.
Other names: c.1055A>C, p.Gln352Pro (NM_033071.5); c.1034A>C (NM_182961.2); short protein forms Q345P, Q352P.
Identifiers: ClinVar variation 642963 (VCV000642963.9), dbSNP rs200003096, ClinGen allele CA4059539.

ClinVar aggregate classification (germline): Uncertain significance. Review status: criteria provided, multiple submitters, no conflicts (2 of 4 stars). 2 submissions from 2 submitters: Uncertain significance (2). Last evaluated 2024-06-27.

Conditions:
Autosomal recessive ataxia, Beauce type. Also called: Spinocerebellar ataxia, autosomal recessive 8; ATAXIA, RECESSIVE, OF BEAUCE; SYNE1 Deficiency; SYNE1-Related Autosomal Recessive Cerebellar Ataxia. Identifiers: Orphanet 88644, MedGen C1853116, MONDO:0012549, OMIM 610743.
Emery-Dreifuss muscular dystrophy 4, autosomal dominant (EDMD4). Also called: EMERY-DREIFUSS MUSCULAR DYSTROPHY 4 WITH VARIABLE FEATURES. Identifiers: Orphanet 261, MedGen C2751807, MONDO:0013071, OMIM 612998.

Allele frequency attached by ClinVar (database versions not stated): TOPMed 0.00004; ESP Exome Variant Server 0.00008.
gnomAD v4.1: 25 of 1,593,278 alleles (0.0016%); highest among the groups gnomAD compares: Non-Finnish European, 0.002%; no homozygotes.

Submissions (2):

Athena Diagnostics
Classification: Uncertain significance. Last evaluated: 2024-06-27. Review status: criteria provided, single submitter. Criteria: Athena Diagnostics Criteria. Collection method: clinical testing. Allele origin: unknown.
Comment: Available data are insufficient to determine the clinical significance of the variant at this time. The frequency of this variant in the general population is uninformative in assessment of its pathogenicity. Polyphen and MutationTaster predict this amino acid change may be benign.

Labcorp Genetics (formerly Invitae), Labcorp
Classification: Uncertain significance for Emery-Dreifuss muscular dystrophy 4, autosomal dominant; Autosomal recessive ataxia, Beauce type. Last evaluated: 2018-10-10. Review status: criteria provided, single submitter. Criteria: Invitae Variant Classification Sherloc (09022015). Collection method: clinical testing. Allele origin: germline.
Comment: This sequence change replaces glutamine with proline at codon 352 of the SYNE1 protein (p.Gln352Pro). The glutamine residue is highly conserved and there is a moderate physicochemical difference between glutamine and proline. This variant is present in population databases (rs200003096, ExAC 0.006%). This variant has not been reported in the literature in individuals with SYNE1-related disease. Algorithms developed to predict the effect of missense changes on protein structure and function are either unavailable or do not agree on the potential impact of this missense change (SIFT: "Deleterious"; PolyPhen-2: "Possibly Damaging"; Align-GVGD: "Class C0"). In summary, the available evidence is currently insufficient to determine the role of this variant in disease. Therefore, it has been classified as a Variant of Uncertain Significance.